The following is an entry in ClinVar:

NM_003922.4(HERC1):c.1988C>G (p.Ala663Gly)

Gene: HERC1 (HECT and RLD domain containing E3 ubiquitin protein ligase family member 1; minus strand). Cytogenetic location: 15q22.31.
Variant type: single nucleotide variant.
Coding change: c.1988C>G on transcript NM_003922.4 (MANE Select); coding-DNA position 1988, C replaced by G.
Protein change: p.Ala663Gly; replaces alanine 663 with glycine.
Molecular consequence: missense variant.
Genome position (GRCh38, 1-based): chr15:63,749,706, G>C on the plus strand (C>G on the coding strand, the complement: HERC1 is on the minus strand). VCF-style: chr15-63749706-G-C. GRCh37 (hg19) VCF-style: chr15-64041905-G-C.
Other names: short protein forms A663G.
Identifiers: ClinVar variation 1214609 (VCV001214609.40), dbSNP rs137926425, ClinGen allele CA7606349.

ClinVar aggregate classification (germline): Benign/Likely benign. Review status: criteria provided, multiple submitters, no conflicts (2 of 4 stars). 6 submissions from 6 submitters: Benign (1); Likely benign (4). 1 of the submissions does not count toward it. Last evaluated 2026-09-01.

Conditions:
Macrocephaly, dysmorphic facies, and psychomotor retardation (MDFPMR). Identifiers: Orphanet 457359, MedGen C4310766, MONDO:0014863, OMIM 617011.
HERC1-related disorder. Also called: HERC1-related condition.

Allele frequency attached by ClinVar (database versions not stated): 1000 Genomes Project 0.00220; 1000 Genomes Project 30x 0.00234; TOPMed 0.00425; ESP Exome Variant Server 0.00427; gnomAD 0.00537 and 0.00552; gnomAD exomes 0.00608; ExAC 0.01058.
gnomAD v4.1: 11,215 of 1,588,814 alleles (0.71%); highest among the groups gnomAD compares: Non-Finnish European, 0.76%; 57 homozygotes.

Submissions (6):

CeGaT Center for Human Genetics Tuebingen
Classification: Likely benign. Last evaluated: 2026-09-01. Review status: criteria provided, single submitter. Criteria: CeGaT Center For Human Genetics Tuebingen Variant Classification Criteria Version 2. Collection method: clinical testing. Allele origin: germline. Affected: yes. Observed: 28 variant alleles.
Comment: HERC1: BS2

Labcorp Genetics (formerly Invitae), Labcorp
Classification: Benign. Last evaluated: 2025-12-03. Review status: criteria provided, single submitter. Criteria: Invitae Variant Classification Sherloc (09022015). Collection method: clinical testing. Allele origin: germline.

GeneDx
Classification: Likely benign. Last evaluated: 2024-03-19. Review status: criteria provided, single submitter. Criteria: GeneDx Variant Classification Process June 2021. Collection method: clinical testing. Allele origin: germline. Affected: yes.
Comment: See Variant Classification Assertion Criteria.

Fulgent Genetics
Classification: Likely benign for Macrocephaly, dysmorphic facies, and psychomotor retardation. Last evaluated: 2022-01-05. Review status: criteria provided, single submitter. Criteria: ACMG Guidelines, 2015. Collection method: clinical testing. Allele origin: unknown.

Breakthrough Genomics
Classification: Likely benign. Review status: criteria provided, single submitter. Criteria: ACMG Guidelines, 2015. Collection method: not provided. Allele origin: germline. Inheritance: Autosomal recessive inheritance. Affected: yes.

PreventionGenetics, part of Exact Sciences
Classification: Benign for HERC1-related condition. Last evaluated: 2019-07-31. Review status: no assertion criteria provided. Collection method: clinical testing. Allele origin: germline. Not counted in ClinVar's aggregate classification.
Comment: This variant is classified as benign based on ACMG/AMP sequence variant interpretation guidelines (Richards et al. 2015 PMID: 25741868, with internal and published modifications).